The following is an entry in ClinVar:

ClinVar aggregate classification (germline): Uncertain significance. Review status: criteria provided, multiple submitters, no conflicts (2 of 4 stars). 3 submissions from 3 submitters: Uncertain significance (3). Last evaluated 2025-05-05.

Conditions:
Inborn genetic diseases. Identifiers: MedGen C0950123, MeSH D030342.

Allele frequency attached by ClinVar (database versions not stated): gnomAD 0.00001; gnomAD exomes 0.00001; TOPMed 0.00002; ESP Exome Variant Server 0.00008.
gnomAD v4.1: 16 of 1,612,486 alleles (0.00099%); highest among the groups gnomAD compares: Non-Finnish European, 0.0014%; no homozygotes.

Submissions (3):

Ambry Genetics
Classification: Uncertain significance for Inborn genetic diseases. Last evaluated: 2025-05-05. Review status: criteria provided, single submitter. Criteria: Ambry Variant Classification Scheme 2023. Collection method: clinical testing. Allele origin: germline.

Women's Health and Genetics/Laboratory Corporation of America, LabCorp
Classification: Uncertain significance. Last evaluated: 2024-12-09. Review status: criteria provided, single submitter. Criteria: LabCorp Variant Classification Summary - May 2015. Collection method: clinical testing. Allele origin: germline.
Comment: Variant summary: UBTF c.1171G>A (p.Ala391Thr) results in a non-conservative amino acid change in the encoded protein sequence. Three of five in-silico tools predict a damaging effect of the variant on protein function. The variant allele was found at a frequency of 9.9e-06 in 1612486 control chromosomes. This frequency is not significantly higher than estimated for a pathogenic variant in UBTF causing Childhood-Onset Motor And Cognitive Regression Syndrome With Extrapyramidal Movement Disorder, allowing no conclusion about variant significance. To our knowledge, no occurrence of c.1171G>A in individuals affected with Childhood-Onset Motor And Cognitive Regression Syndrome With Extrapyramidal Movement Disorder and no experimental evidence demonstrating its impact on protein function have been reported. ClinVar contains an entry for this variant (Variation ID: 2203993). Based on the evidence outlined above, the variant was classified as uncertain significance.

Blueprint Genetics
Classification: Uncertain significance. Last evaluated: 2020-03-20. Review status: criteria provided, single submitter. Criteria: ACMG Guidelines, 2015. Collection method: clinical testing. Allele origin: germline.

NM_014233.4(UBTF):c.1171G>A (p.Ala391Thr)

Genes: ATXN7L3-AS1 (ATXN7L3 antisense RNA 1; plus strand), UBTF (upstream binding transcription factor; minus strand), LOC121587595 (Sharpr-MPRA regulatory region 7848; plus strand). Cytogenetic location: 17q21.31.
Variant type: single nucleotide variant.
Coding change: c.1171G>A on transcript NM_014233.4 (MANE Select); coding-DNA position 1171, G replaced by A.
Protein change: p.Ala391Thr; replaces alanine 391 with threonine.
Molecular consequence: missense variant. On other transcripts: non-coding transcript variant (1).
Genome position (GRCh38, 1-based): chr17:44,211,071, C>T on the plus strand (G>A on the coding strand, the complement: UBTF is on the minus strand). VCF-style: chr17-44211071-C-T. GRCh37 (hg19) VCF-style: chr17-42288439-C-T.
Other names: c.1060G>A, p.Ala354Thr (NM_001076684.3, NM_001076683.2); short protein forms A391T, A354T.
Identifiers: ClinVar variation 2203993 (VCV002203993.5), dbSNP rs374657112, ClinGen allele CA290909170.
Genomic context (GRCh38, chr17:44,211,071, plus strand): 5'-CGCCTGCGCGGCCGCACCCTCTGCCCACCTTGCCCCCTTCCTGGGCTGGCTTCTTGGAGG[C>T]GGGGCTGGTGGCCTGCTTCTTGTTGATGTTCAGCATCTTCTCTTCCCCCAAGACCCGCTG-3'
Protein context (NP_055048.1, residues 381-401): NINKKQATSP[Ala391Thr]SKKPAQEGGK